The following is an entry in ClinVar:

NM_001918.5(DBT):c.*8977T>C

Gene: DBT (dihydrolipoamide branched chain transacylase E2; minus strand). Cytogenetic location: 1p21.2.
Variant type: single nucleotide variant.
Coding change: c.*8977T>C on transcript NM_001918.5 (MANE Select); 8977 bases downstream of the stop codon, T replaced by C.
Molecular consequence: 3 prime UTR variant.
Genome position (GRCh38, 1-based): chr1:100,187,278, A>G on the plus strand (T>C on the coding strand, the complement: DBT is on the minus strand). VCF-style: chr1-100187278-A-G. GRCh37 (hg19) VCF-style: chr1-100652834-A-G.
Identifiers: ClinVar variation 291378 (VCV000291378.5), dbSNP rs113536022, ClinGen allele CA10607104.

ClinVar aggregate classification (germline): Benign (1 of 4 stars; one submission).

Conditions:
Maple syrup urine disease (MSUD). Identifiers: Orphanet 511, MedGen C0024776, MeSH D008375, MONDO:0009563. Disease mechanism: loss of function.

Allele frequency attached by ClinVar (database versions not stated): gnomAD 0.02248 and 0.02409; 1000 Genomes Project 0.02516; TOPMed 0.02551; 1000 Genomes Project 30x 0.02608.

Submission:

Illumina Laboratory Services, Illumina
Classification: Benign for Maple syrup urine disease type 1A. Last evaluated: 2018-01-12. Review status: criteria provided, single submitter. Criteria: ICSL Variant Classification Criteria 13 December 2019. Collection method: clinical testing. Allele origin: germline.
Comment: This variant was observed in the ICSL laboratory as part of a predisposition screen in an ostensibly healthy population. It had not been previously curated by ICSL or reported in the Human Gene Mutation Database (HGMD: prior to June 1st, 2018), and was therefore a candidate for classification through an automated scoring system. Utilizing variant allele frequency, disease prevalence and penetrance estimates, and inheritance mode, an automated score was calculated to assess if this variant is too frequent to cause the disease. Based on the score and internal cut-off values, a variant classified as benign is not then subjected to further curation. The score for this variant resulted in a classification of benign for this disease.